The following is an entry in ClinVar:

GRCh37/hg19 15q11.2-13.1(chr15:23624613-28540001)x1

Genes: ATP10A (ATPase phospholipid transporting 10A (putative); minus strand), GABRA5 (gamma-aminobutyric acid type A receptor subunit alpha5; plus strand), GABRB3 (gamma-aminobutyric acid type A receptor subunit beta3; minus strand), GABRG3 (gamma-aminobutyric acid type A receptor subunit gamma3; plus strand), GOLGA6L2 (golgin A6 family like 2; minus strand) and 19 more. Cytogenetic location: 15q11.2-13.1.
Variant type: copy number loss.
Change: copy number 1 (one copy instead of two) of chr15:23,624,613-28,540,001 (4.92 Mb, GRCh37 coordinates, 1-based), cytogenetic band 15q11.2-13.1.
Identifiers: ClinVar variation 4891002 (VCV004891002.1).

ClinVar aggregate classification (germline): Pathogenic (1 of 4 stars; one submission).

Conditions:
Angelman syndrome (AS). Also called: HAPPY PUPPET SYNDROME. Identifiers: Orphanet 72, MedGen C0162635, MONDO:0007113, OMIM 105830. Disease mechanism: loss of function. Inheritance: AS is caused by disruption of maternally imprinted UBE3A located within the 15q11.2-q13 Angelman syndrome/Prader-Willi syndrome (AS/PWS) region., imprinting disorder.

Submission:

Pediatric Department, Peking University First Hospital
Classification: Pathogenic for Angelman syndrome. Last evaluated: 2025-12-10. Review status: criteria provided, single submitter. Criteria: ACMG/ClinGen CNV Guidelines, 2019. Collection method: clinical testing. Allele origin: de novo. Inheritance: Autosomal dominant inheritance with maternal imprinting. Affected: yes.
Comment: This 4.92 Mb deletion at 15q11.2-q13.1 contains multiple protein-coding genes and fully encompasses established dosage-sensitive/pathogenic gene(s). It meets ACMG/ClinGen criterion 2A (+1.00 point) for complete overlap with an established haploinsufficient gene/genomic region. The deletion occurred de novo. Therefore, this copy-number loss is classified as pathogenic.